The following is an entry in ClinVar:

NM_004517.4(ILK):c.452G>A (p.Arg151Gln)

Genes: ILK (integrin linked kinase; plus strand), TAF10 (TATA-box binding protein associated factor 10; minus strand). Cytogenetic location: 11p15.4.
Variant type: single nucleotide variant.
Coding change: c.452G>A on transcript NM_004517.4 (MANE Select); coding-DNA position 452, G replaced by A.
Protein change: p.Arg151Gln; replaces arginine 151 with glutamine.
Molecular consequence: missense variant. On other transcripts: 3 prime UTR variant (1).
Genome position (GRCh38, 1-based): chr11:6,608,887, G>A. VCF-style: chr11-6608887-G-A. GRCh37 (hg19) VCF-style: chr11-6630118-G-A.
Other names: c.452G>A, p.Arg151Gln (NM_001014794.3, NM_001014795.3); c.355G>A, p.Gly119Arg (NM_001278441.2); c.50G>A, p.Arg17Gln (NM_001278442.2); c.*2035C>T (NM_006284.4); short protein forms G119R, R17Q, R151Q.
Identifiers: ClinVar variation 850465 (VCV000850465.10), dbSNP rs774837228, ClinGen allele CA5858061.

ClinVar aggregate classification (germline): Uncertain significance (1 of 4 stars; one submission).

Conditions:
Primary familial hypertrophic cardiomyopathy (HCM). Identifiers: Orphanet 99739, MedGen C0949658, MeSH D024741, MONDO:0024573. Inheritance: Various modes of inheritance.

Allele frequency attached by ClinVar (database versions not stated): TOPMed below 0.00001; ExAC 0.00001; gnomAD 0.00001; gnomAD exomes 0.00001.
gnomAD v4.1: 9 of 1,614,066 alleles (0.00056%); highest among the groups gnomAD compares: Admixed American, 0.0033%; no homozygotes.

Submission:

Labcorp Genetics (formerly Invitae), Labcorp
Classification: Uncertain significance for Primary familial hypertrophic cardiomyopathy. Last evaluated: 2023-02-14. Review status: criteria provided, single submitter. Criteria: Invitae Variant Classification Sherloc (09022015). Collection method: clinical testing. Allele origin: germline.
Comment: ClinVar contains an entry for this variant (Variation ID: 850465). This variant has not been reported in the literature in individuals affected with ILK-related conditions. This variant is present in population databases (rs774837228, gnomAD 0.003%). This sequence change replaces arginine, which is basic and polar, with glutamine, which is neutral and polar, at codon 151 of the ILK protein (p.Arg151Gln). An algorithm developed to predict the effect of missense changes on protein structure and function (PolyPhen-2) suggests that this variant is likely to be tolerated. In summary, the available evidence is currently insufficient to determine the role of this variant in disease. Therefore, it has been classified as a Variant of Uncertain Significance. Algorithms developed to predict the effect of sequence changes on RNA splicing suggest that this variant may create or strengthen a splice site.